The following is an entry in ClinVar:

ClinVar aggregate classification (germline): Benign (1 of 4 stars; one submission).

Allele frequency attached by ClinVar (database versions not stated): 1000 Genomes Project 30x 0.38367; 1000 Genomes Project 0.38279; TOPMed 0.39687.
gnomAD v4.1: 62,533 of 151,894 alleles (41%); highest among the groups gnomAD compares: South Asian, 47%; 13,127 homozygotes.

Submission:

GeneDx
Classification: Benign. Last evaluated: 2018-06-14. Review status: criteria provided, single submitter. Criteria: GeneDx Variant Classification (06012015). Collection method: clinical testing. Allele origin: germline. Affected: yes.
Comment: This variant is considered likely benign or benign based on one or more of the following criteria: it is a conservative change, it occurs at a poorly conserved position in the protein, it is predicted to be benign by multiple in silico algorithms, and/or has population frequency not consistent with disease.

NM_024577.4(SH3TC2):c.3327+225C>G

Gene: SH3TC2 (SH3 domain and tetratricopeptide repeats 2; minus strand). Cytogenetic location: 5q32.
Variant type: single nucleotide variant.
Coding change: c.3327+225C>G on transcript NM_024577.4 (MANE Select); 225 bases into the intron after coding-DNA position 3327, C replaced by G.
Molecular consequence: intron variant.
Genome position (GRCh38, 1-based): chr5:149,010,045, G>C on the plus strand (C>G on the coding strand, the complement: SH3TC2 is on the minus strand). VCF-style: chr5-149010045-G-C. GRCh37 (hg19) VCF-style: chr5-148389608-G-C.
Identifiers: ClinVar variation 670077 (VCV000670077.1), dbSNP rs1025475, ClinGen allele CA16245046.